The following is an entry in ClinVar:

NM_001127222.2(CACNA1A):c.4710G>T (p.Thr1570=)

Gene: CACNA1A (calcium voltage-gated channel subunit alpha1 A; minus strand). Cytogenetic location: 19p13.13.
Variant type: single nucleotide variant.
Coding change: c.4710G>T on transcript NM_001127222.2 (MANE Select); coding-DNA position 4710, G replaced by T.
Protein change: p.Thr1570=; no amino-acid change (threonine 1570 retained).
Molecular consequence: synonymous variant.
Genome position (GRCh38, 1-based): chr19:13,255,140, C>A on the plus strand (G>T on the coding strand, the complement: CACNA1A is on the minus strand). VCF-style: chr19-13255140-C-A. GRCh37 (hg19) VCF-style: chr19-13365954-C-A.
Other names: c.4710G>T (NM_001127222.1); c.4722G>T, p.Thr1574= (NM_000068.4, NM_023035.3); c.4713G>T, p.Thr1571= (NM_001127221.2, NM_001174080.2).
Identifiers: ClinVar variation 389521 (VCV000389521.13), dbSNP rs761547761, ClinGen allele CA9239961.
Genomic context (GRCh38, chr19:13,255,140, plus strand): 5'-GTGTGGGGCACTTACCTTCATCATAAGCACGATGGTGTTGAGGGCGATCATGGCCATGAT[C>A]GTGTACTCGAAAGGCGGAGACACCACGAACTGCCACATGCGGTACTGGAAGCTCTGCTTG-3'
Protein context (NP_001120694.1, residues 1560-1580): QFVVSPPFEY[Thr1570=]IMAMIALNTI

ClinVar aggregate classification (germline): Likely benign. Review status: criteria provided, multiple submitters, no conflicts (2 of 4 stars). 4 submissions from 4 submitters: Likely benign (3). 1 of the submissions does not count toward it. Last evaluated 2026-06-04.

Conditions:
CACNA1A-related disorder. Also called: CACNA1A-related condition.
Episodic ataxia type 2 (EA2). Also called: ATAXIA, EPISODIC, WITH NYSTAGMUS; ATAXIA, FAMILIAL PAROXYSMAL; CEREBELLAR ATAXIA, PAROXYSMAL, ACETAZOLAMIDE-RESPONSIVE; CEREBELLOPATHY, HEREDITARY PAROXYSMAL; ACETAZOLAMIDE-RESPONSIVE HEREDITARY PAROXYSMAL CEREBELLAR ATAXIA; EPISODIC ATAXIA, NYSTAGMUS-ASSOCIATED. Identifiers: Orphanet 97, MedGen C1720416, MONDO:0007163, OMIM 108500.
Developmental and epileptic encephalopathy, 42 (DEE42A). Also called: DEVELOPMENTAL AND EPILEPTIC ENCEPHALOPATHY 42A; EPILEPTIC ENCEPHALOPATHY, EARLY INFANTILE, 42A; Epileptic encephalopathy, early infantile, 42. Identifiers: MedGen C4310716, MONDO:0014917, OMIM 617106.
Inborn genetic diseases. Identifiers: MedGen C0950123, MeSH D030342.

Allele frequency attached by ClinVar (database versions not stated): ExAC 0.00001; TOPMed 0.00002.
gnomAD v4.1: 24 of 1,613,720 alleles (0.0015%); highest among the groups gnomAD compares: Admixed American, 0.025%; no homozygotes.

Submissions (4):

Ambry Genetics
Classification: Likely benign for Inborn genetic diseases. Last evaluated: 2026-06-04. Review status: criteria provided, single submitter. Criteria: Ambry Variant Classification Scheme 2023. Collection method: clinical testing. Allele origin: germline.

Labcorp Genetics (formerly Invitae), Labcorp
Classification: Likely benign for Developmental and epileptic encephalopathy, 42; Episodic ataxia type 2. Last evaluated: 2025-05-02. Review status: criteria provided, single submitter. Criteria: Invitae Variant Classification Sherloc (09022015). Collection method: clinical testing. Allele origin: germline.

GeneDx
Classification: Likely benign. Last evaluated: 2016-09-28. Review status: criteria provided, single submitter. Criteria: GeneDx Variant Classification (06012015). Collection method: clinical testing. Allele origin: germline. Affected: yes.
Comment: This variant is considered likely benign or benign based on one or more of the following criteria: it is a conservative change, it occurs at a poorly conserved position in the protein, it is predicted to be benign by multiple in silico algorithms, and/or has population frequency not consistent with disease.

PreventionGenetics, part of Exact Sciences
Classification: Likely benign for CACNA1A-related condition. Last evaluated: 2019-05-23. Review status: no assertion criteria provided. Collection method: clinical testing. Allele origin: germline. Not counted in ClinVar's aggregate classification.
Comment: This variant is classified as likely benign based on ACMG/AMP sequence variant interpretation guidelines (Richards et al. 2015 PMID: 25741868, with internal and published modifications).